The following is an entry in ClinVar:

ClinVar aggregate classification (germline): Conflicting classifications of pathogenicity. Review status: criteria provided, conflicting classifications (1 of 4 stars). 5 submissions from 5 submitters: Uncertain significance (4); Likely benign (1). Last evaluated 2024-02-23.

Conditions:
Inborn genetic diseases. Identifiers: MedGen C0950123, MeSH D030342.
Multiple mitochondrial dysfunctions syndrome 4 (MMDS4). Also called: ISCA2-Related Mitochondrial Disorder. Identifiers: Orphanet 457406, MedGen C4225348, MONDO:0014611, OMIM 616370.

Allele frequency attached by ClinVar (database versions not stated): gnomAD 0.00011 and 0.00009; TOPMed 0.00013; gnomAD exomes 0.00014 and 0.00008; ExAC 0.00011.
gnomAD v4.1: 134 of 1,614,122 alleles (0.0083%); highest among the groups gnomAD compares: Middle Eastern, 0.33%; 1 homozygote.

Submissions (5):

Labcorp Genetics (formerly Invitae), Labcorp
Classification: Uncertain significance. Last evaluated: 2024-02-23. Review status: criteria provided, single submitter. Criteria: Invitae Variant Classification Sherloc (09022015). Collection method: clinical testing. Allele origin: germline.
Comment: This sequence change replaces valine, which is neutral and non-polar, with leucine, which is neutral and non-polar, at codon 121 of the ISCA2 protein (p.Val121Leu). This variant is present in population databases (rs201908228, gnomAD 0.2%). This variant has not been reported in the literature in individuals affected with ISCA2-related conditions. ClinVar contains an entry for this variant (Variation ID: 1031786). An algorithm developed to predict the effect of missense changes on protein structure and function (PolyPhen-2) suggests that this variant is likely to be disruptive. In summary, the available evidence is currently insufficient to determine the role of this variant in disease. Therefore, it has been classified as a Variant of Uncertain Significance.

Ambry Genetics
Classification: Likely benign for Inborn genetic diseases. Last evaluated: 2022-02-08. Review status: criteria provided, single submitter. Criteria: Ambry Variant Classification Scheme 2023. Collection method: clinical testing. Allele origin: germline.

Baylor Genetics
Classification: Uncertain significance for Multiple mitochondrial dysfunctions syndrome 4. Last evaluated: 2018-10-15. Review status: criteria provided, single submitter. Criteria: ACMG Guidelines, 2015. Collection method: clinical testing. Allele origin: paternal. Affected: yes.
Comment: This variant was determined to be of uncertain significance according to ACMG Guidelines, 2015 [PMID:25741868].

Breakthrough Genomics
Classification: Uncertain significance. Review status: criteria provided, single submitter. Criteria: ACMG Guidelines, 2015. Collection method: not provided. Allele origin: germline. Inheritance: Autosomal recessive inheritance. Affected: yes.

Neuberg Centre For Genomic Medicine, NCGM
Classification: Uncertain significance for Multiple mitochondrial dysfunctions syndrome 4. Review status: criteria provided, single submitter. Criteria: ACMG Guidelines, 2015. Collection method: clinical testing. Allele origin: germline. Inheritance: Autosomal recessive inheritance. Affected: yes.
Comment: The missense variant c.361G>T(p.Val121Leu) in ISCA2 gene has not been reported previously as a pathogenic variant nor as a benign variant, to our knowledge. The observed variant has allele frequency of 0.01% in gnomAD exomes database. This variant has been submitted to the ClinVar database as Uncertain Significance. The amino acid change p.Val121Leu in ISCA2 is predicted as conserved by GERP++ and PhyloP across 100 vertebrates. The amino acid Val at position 121 is changed to a Leu changing protein sequence and it might alter its composition and physico-chemical properties. For these reasons, this variant has been classified as Uncertain Significance (VUS).

NM_194279.4(ISCA2):c.361G>T (p.Val121Leu)

Gene: ISCA2 (iron-sulfur cluster assembly 2; plus strand). Cytogenetic location: 14q24.3.
Variant type: single nucleotide variant.
Coding change: c.361G>T on transcript NM_194279.4 (MANE Select); coding-DNA position 361, G replaced by T.
Protein change: p.Val121Leu; replaces valine 121 with leucine.
Molecular consequence: missense variant. On other transcripts: 3 prime UTR variant (1).
Genome position (GRCh38, 1-based): chr14:74,494,896, G>T. VCF-style: chr14-74494896-G-T. GRCh37 (hg19) VCF-style: chr14-74961599-G-T.
Other names: c.*62G>T (NM_001272007.2); short protein forms V121L.
Identifiers: ClinVar variation 1031786 (VCV001031786.7), dbSNP rs201908228, ClinGen allele CA7268357.
Genomic context (GRCh38, chr14:74,494,896, plus strand): 5'-CAGGGTGGGGCAAGAGTGGTGGTTGACTCTGATAGCTTGGCCTTCGTGAAAGGGGCCCAG[G>T]TGGACTTCAGCCAAGAACTGATCCGAAGCTCATTTCAAGTGTTGAACAATCCTCAAGCAC-3'
Protein context (NP_919255.2, residues 111-131): DSLAFVKGAQ[Val121Leu]DFSQELIRSS